The following is an entry in ClinVar:

ClinVar aggregate classification (germline): Uncertain significance (1 of 4 stars; one submission).

gnomAD v4.1: 1 of 1,196,771 alleles (0.000084%); highest among the groups gnomAD compares: Non-Finnish European, 0.00011%; no homozygotes.

Submission:

CeGaT Center for Human Genetics Tuebingen
Classification: Uncertain significance. Last evaluated: 2026-06-01. Review status: criteria provided, single submitter. Criteria: CeGaT Center For Human Genetics Tuebingen Variant Classification Criteria Version 2. Collection method: clinical testing. Allele origin: germline. Affected: yes. Observed: 1 variant allele.
Comment: HDAC8: PM2, PP2, BP4

NM_018486.3(HDAC8):c.751G>A (p.Val251Ile)

Gene: HDAC8 (histone deacetylase 8; minus strand). Cytogenetic location: Xq13.1.
Variant type: single nucleotide variant.
Coding change: c.751G>A on transcript NM_018486.3 (MANE Select); coding-DNA position 751, G replaced by A.
Protein change: p.Val251Ile; replaces valine 251 with isoleucine.
Molecular consequence: missense variant. On other transcripts: non-coding transcript variant (5).
Genome position (GRCh38, 1-based): chrX:72,464,718, C>T on the plus strand (G>A on the coding strand, the complement: HDAC8 is on the minus strand). VCF-style: chrX-72464718-C-T. GRCh37 (hg19) VCF-style: chrX-71684568-C-T.
Other names: c.478G>A, p.Val160Ile (NM_001166418.2, NM_001410728.1); c.751G>A, p.Val251Ile (NM_001410725.1, NM_001410729.1); c.673G>A, p.Val225Ile (NM_001410727.1); c.451G>A, p.Val151Ile (NM_001441234.1); short protein forms V151I, V160I, V225I, V251I.
Identifiers: ClinVar variation 4873787 (VCV004873787.2).